The following is an entry in ClinVar:

ClinVar aggregate classification (germline): Uncertain significance (1 of 4 stars; one submission).

Submission:

GeneDx
Classification: Uncertain significance. Last evaluated: 2024-06-20. Review status: criteria provided, single submitter. Criteria: GeneDx Variant Classification Process June 2021. Collection method: clinical testing. Allele origin: germline. Affected: yes.
Comment: Not observed at significant frequency in large population cohorts (gnomAD); In silico analysis supports that this missense variant has a deleterious effect on protein structure/function; Has not been previously published as pathogenic or benign to our knowledge

NM_000719.7(CACNA1C):c.585G>C (p.Trp195Cys)

Gene: CACNA1C (calcium voltage-gated channel subunit alpha1 C; plus strand). Cytogenetic location: 12p13.33.
Variant type: single nucleotide variant.
Coding change: c.585G>C on transcript NM_000719.7 (MANE Select); coding-DNA position 585, G replaced by C.
Protein change: p.Trp195Cys; replaces tryptophan 195 with cysteine.
Molecular consequence: missense variant.
Genome position (GRCh38, 1-based): chr12:2,449,083, G>C. VCF-style: chr12-2449083-G-C. GRCh37 (hg19) VCF-style: chr12-2558249-G-C.
Other names: c.585G>C, p.Trp195Cys (NM_001129827.2, NM_001129829.2, NM_001129830.3 and 19 more transcripts); short protein forms W195C.
Identifiers: ClinVar variation 3391695 (VCV003391695.1).